The following is an entry in ClinVar:

ClinVar aggregate classification (germline): Uncertain significance (1 of 4 stars; one submission).

Submission:

Labcorp Genetics (formerly Invitae), Labcorp
Classification: Uncertain significance. Last evaluated: 2024-06-26. Review status: criteria provided, single submitter. Criteria: Invitae Variant Classification Sherloc (09022015). Collection method: clinical testing. Allele origin: germline.
Comment: This sequence change replaces phenylalanine, which is neutral and non-polar, with leucine, which is neutral and non-polar, at codon 359 of the ABCG8 protein (p.Phe359Leu). This variant is not present in population databases (gnomAD no frequency). This variant has not been reported in the literature in individuals affected with ABCG8-related conditions. An algorithm developed to predict the effect of missense changes on protein structure and function (PolyPhen-2) suggests that this variant is likely to be tolerated. In summary, the available evidence is currently insufficient to determine the role of this variant in disease. Therefore, it has been classified as a Variant of Uncertain Significance.

NM_022437.3(ABCG8):c.1077T>A (p.Phe359Leu)

Gene: ABCG8 (ATP binding cassette subfamily G member 8; plus strand). Cytogenetic location: 2p21.
Variant type: single nucleotide variant.
Coding change: c.1077T>A on transcript NM_022437.3 (MANE Select); coding-DNA position 1077, T replaced by A.
Protein change: p.Phe359Leu; replaces phenylalanine 359 with leucine.
Molecular consequence: missense variant.
Genome position (GRCh38, 1-based): chr2:43,872,088, T>A. VCF-style: chr2-43872088-T-A. GRCh37 (hg19) VCF-style: chr2-44099227-T-A.
Other names: c.1077T>A, p.Phe359Leu (NM_001357321.2); short protein forms F359L.
Identifiers: ClinVar variation 3708230 (VCV003708230.2).